The following is an entry in ClinVar:

NM_000260.4(MYO7A):c.4587C>G (p.Leu1529=)

Gene: MYO7A (myosin VIIA; plus strand). Cytogenetic location: 11q13.5.
Variant type: single nucleotide variant.
Coding change: c.4587C>G on transcript NM_000260.4 (MANE Select); coding-DNA position 4587, C replaced by G.
Protein change: p.Leu1529=; no amino-acid change (leucine 1529 retained).
Molecular consequence: synonymous variant. On other transcripts: intron variant (2).
Genome position (GRCh38, 1-based): chr11:77,199,553, C>G. VCF-style: chr11-77199553-C-G. GRCh37 (hg19) VCF-style: chr11-76910598-C-G.
Other names: c.4536-96C>G (NM_001369365.1); c.4569-96C>G (NM_001127180.2).
Identifiers: ClinVar variation 3063643 (VCV003063643.1), dbSNP rs1591458934, ClinGen allele CA475796454.

ClinVar aggregate classification (germline): Likely benign (1 of 4 stars; one submission).

gnomAD v4.1: 1 of 1,511,378 alleles (0.000066%); highest among the groups gnomAD compares: Middle Eastern, 0.019%; no homozygotes.

Submission:

Women's Health and Genetics/Laboratory Corporation of America, LabCorp
Classification: Likely benign. Last evaluated: 2024-01-23. Review status: criteria provided, single submitter. Criteria: LabCorp Variant Classification Summary - May 2015. Collection method: clinical testing. Allele origin: germline.
Comment: Variant summary: MYO7A c.4587C>G alters a non-conserved nucleotide resulting in a synonymous change. Consensus agreement among computation tools predict no significant impact on normal splicing. However, these predictions have yet to be confirmed by functional studies. The variant was absent in 141834 control chromosomes. The available data on variant occurrences in the general population are insufficient to allow any conclusion about variant significance. To our knowledge, no occurrence of c.4587C>G in individuals affected with Usher Syndrome and no experimental evidence demonstrating its impact on protein function have been reported. No submitters have cited clinical-significance assessments for this variant to ClinVar. Based on the evidence outlined above, the variant was classified as likely benign.